The following is an entry in ClinVar:

NM_024664.4(PPCS):c.804T>G (p.Phe268Leu)

Genes: PPCS (phosphopantothenoylcysteine synthetase; plus strand), CCDC30 (coiled-coil domain containing 30; plus strand). Cytogenetic location: 1p34.2.
Variant type: single nucleotide variant.
Coding change: c.804T>G on transcript NM_024664.4 (MANE Select); coding-DNA position 804, T replaced by G.
Protein change: p.Phe268Leu; replaces phenylalanine 268 with leucine.
Molecular consequence: missense variant. On other transcripts: intron variant (2).
Genome position (GRCh38, 1-based): chr1:42,459,794, T>G. VCF-style: chr1-42459794-T-G. GRCh37 (hg19) VCF-style: chr1-42925465-T-G.
Other names: c.285T>G, p.Phe95Leu (NM_001077447.3, NM_001287506.1, NM_001287508.2 and 2 more transcripts); c.186T>G, p.Phe62Leu (NM_001287507.1); c.-880+2444T>G (NM_001355226.2); c.612+2444T>G (NM_001287511.2); short protein forms F268L, F62L, F95L.
Identifiers: ClinVar variation 1467214 (VCV001467214.7), dbSNP rs752560159, ClinGen allele CA339950255.

ClinVar aggregate classification (germline): Uncertain significance (1 of 4 stars; one submission).

Submission:

Labcorp Genetics (formerly Invitae), Labcorp
Classification: Uncertain significance. Last evaluated: 2021-11-27. Review status: criteria provided, single submitter. Criteria: Invitae Variant Classification Sherloc (09022015). Collection method: clinical testing. Allele origin: germline.
Comment: This variant has not been reported in the literature in individuals affected with PPCS-related conditions. This sequence change replaces phenylalanine, which is neutral and non-polar, with leucine, which is neutral and non-polar, at codon 268 of the PPCS protein (p.Phe268Leu). This variant is not present in population databases (gnomAD no frequency). Algorithms developed to predict the effect of missense changes on protein structure and function (SIFT, PolyPhen-2, Align-GVGD) all suggest that this variant is likely to be tolerated. In summary, the available evidence is currently insufficient to determine the role of this variant in disease. Therefore, it has been classified as a Variant of Uncertain Significance.